The following is an entry in ClinVar:

ClinVar aggregate classification (germline): Uncertain significance (1 of 4 stars; one submission).

Conditions:
Hereditary nonpolyposis colorectal neoplasms. Identifiers: MedGen C0009405, MeSH D003123.

Submission:

Labcorp Genetics (formerly Invitae), Labcorp
Classification: Uncertain significance for Hereditary nonpolyposis colorectal neoplasms. Last evaluated: 2020-03-01. Review status: criteria provided, single submitter. Criteria: Invitae Variant Classification Sherloc (09022015). Collection method: clinical testing. Allele origin: germline.
Comment: In summary, the available evidence is currently insufficient to determine the role of this variant in disease. Therefore, it has been classified as a Variant of Uncertain Significance. Algorithms developed to predict the effect of missense changes on protein structure and function (SIFT, PolyPhen-2, Align-GVGD) all suggest that this variant is likely to be tolerated, but these predictions have not been confirmed by published functional studies and their clinical significance is uncertain. This variant has not been reported in the literature in individuals with PMS2-related conditions. This variant is not present in population databases (ExAC no frequency). This sequence change replaces aspartic acid with glutamic acid at codon 544 of the PMS2 protein (p.Asp544Glu). The aspartic acid residue is weakly conserved and there is a small physicochemical difference between aspartic acid and glutamic acid.

NM_000535.7(PMS2):c.1632C>G (p.Asp544Glu)

Gene: PMS2 (PMS1 homolog 2, mismatch repair system component; minus strand). Cytogenetic location: 7p22.1.
Variant type: single nucleotide variant.
Coding change: c.1632C>G on transcript NM_000535.7 (MANE Select); coding-DNA position 1632, C replaced by G.
Protein change: p.Asp544Glu; replaces aspartic acid 544 with glutamic acid.
Molecular consequence: missense variant. On other transcripts: non-coding transcript variant (1).
Genome position (GRCh38, 1-based): chr7:5,987,133, G>C on the plus strand (C>G on the coding strand, the complement: PMS2 is on the minus strand). VCF-style: chr7-5987133-G-C. GRCh37 (hg19) VCF-style: chr7-6026764-G-C.
Other names: c.1227C>G, p.Asp409Glu (NM_001322003.2, NM_001322004.2, NM_001322005.2 and 1 more transcripts); c.1476C>G, p.Asp492Glu (NM_001322006.2); c.1314C>G, p.Asp438Glu (NM_001322007.2, NM_001322008.2); c.1071C>G, p.Asp357Glu (NM_001322010.2); c.699C>G, p.Asp233Glu (NM_001322011.2, NM_001322012.2); c.1059C>G, p.Asp353Glu (NM_001322013.2); c.1632C>G, p.Asp544Glu (NM_001322014.2); c.1323C>G, p.Asp441Glu (NM_001322015.2); short protein forms D353E, D357E, D438E, D441E, D492E, D233E, D409E, D544E.
Identifiers: ClinVar variation 1037053 (VCV001037053.8), dbSNP rs786203439, ClinGen allele CA366741441.